The following is an entry in ClinVar:

NM_174936.4(PCSK9):c.77C>T (p.Ala26Val)

Gene: PCSK9 (proprotein convertase subtilisin/kexin type 9; plus strand). Cytogenetic location: 1p32.3.
Variant type: single nucleotide variant.
Coding change: c.77C>T on transcript NM_174936.4 (MANE Select); coding-DNA position 77, C replaced by T.
Protein change: p.Ala26Val; replaces alanine 26 with valine.
Molecular consequence: missense variant.
Genome position (GRCh38, 1-based): chr1:55,039,914, C>T. VCF-style: chr1-55039914-C-T. GRCh37 (hg19) VCF-style: chr1-55505587-C-T.
Other names: short protein forms A26V.
Identifiers: ClinVar variation 923225 (VCV000923225.11), dbSNP rs1413443246, ClinGen allele CA340482727.

ClinVar aggregate classification (germline): Uncertain significance. Review status: criteria provided, multiple submitters, no conflicts (2 of 4 stars). 3 submissions from 3 submitters: Uncertain significance (3). Last evaluated 2025-11-10.

Conditions:
Cardiovascular phenotype. Identifiers: MedGen CN230736.
Familial hypercholesterolemia. Also called: Familial hypercholesterolemias; Familial hypercholesterolaemia. Identifiers: MedGen C0020445, MONDO:0005439.
Hypercholesterolemia, autosomal dominant, 3 (FHCL3). Also called: Familial hypercholesterolemia 3; Familial Hypercholesterolemia, Autosomal Dominant, 3; PCSK9-Related Familial Hypercholesterolemia, Autosomal Dominant. Identifiers: MedGen C1863551, MONDO:0011369, OMIM 603776.

Allele frequency attached by ClinVar (database versions not stated): gnomAD 0.00001; gnomAD exomes 0.00002; TOPMed 0.00002.
gnomAD v4.1: 29 of 1,566,852 alleles (0.0019%); highest among the groups gnomAD compares: Non-Finnish European, 0.0025%; no homozygotes.

Submissions (3):

Color Diagnostics, LLC DBA Color Health
Classification: Uncertain significance for Familial hypercholesterolemia. Last evaluated: 2025-11-10. Review status: criteria provided, single submitter. Criteria: ACMG Guidelines, 2015. Collection method: clinical testing. Allele origin: germline.
Comment: This variant is located in the PCSK9 protein. Computational prediction suggests that this variant may not impact protein structure and function. To our knowledge, functional studies have not been reported for this variant. This variant has not been reported in individuals affected with familial hypercholesterolemia disorders in the literature. This variant has been identified in 1/31400 chromosomes in the general population by the Genome Aggregation Database (gnomAD). The available evidence is insufficient to determine the role of this variant in disease conclusively. Therefore, this variant is classified as a Variant of Uncertain Significance.

Ambry Genetics
Classification: Uncertain significance for Cardiovascular phenotype. Last evaluated: 2025-05-30. Review status: criteria provided, single submitter. Criteria: Ambry Variant Classification Scheme 2023. Collection method: clinical testing. Allele origin: germline.
Comment: The p.A26V variant (also known as c.77C>T), located in coding exon 1 of the PCSK9 gene, results from a C to T substitution at nucleotide position 77. The alanine at codon 26 is replaced by valine, an amino acid with similar properties. This amino acid position is not well conserved in available vertebrate species, and valine is the reference amino acid in other vertebrate species. In addition, this alteration is predicted to be tolerated by in silico analysis. Since supporting evidence is limited at this time, the clinical significance of this alteration remains unclear.

All of Us Research Program, National Institutes of Health
Classification: Uncertain significance for Hypercholesterolemia, autosomal dominant, 3. Last evaluated: 2024-09-23. Review status: criteria provided, single submitter. Criteria: ACMG Guidelines, 2015. Collection method: clinical testing. Allele origin: germline. Inheritance: Autosomal dominant inheritance. Observed: 4 variant alleles, 4 heterozygotes.
Comment: This missense variant replaces alanine with valine at codon 26 of the PCSK9 protein. Computational prediction suggests that this variant may not impact protein structure and function (internally defined REVEL score threshold <= 0.5, PMID: 27666373). Splice site prediction tools suggest that this variant may not impact RNA splicing. To our knowledge, functional studies have not been performed for this variant. This variant has not been reported in individuals affected with familial hypercholesterolemia in the literature. This variant has been identified in 1/31400 chromosomes in the general population by the Genome Aggregation Database (gnomAD). The available evidence is insufficient to determine the role of this variant in disease conclusively. Therefore, this variant is classified as a Variant of Uncertain Significance.

This study involves interpretation of variants in research participants for the purpose of population health screening. Participant phenotype was not available at the time of variant classification. Additional details can be found in publication PMID: 35346344, PMCID: PMC8962531